The following is an entry in ClinVar:

ClinVar aggregate classification (germline): Conflicting classifications of pathogenicity. Review status: criteria provided, conflicting classifications (1 of 4 stars). 6 submissions from 6 submitters: Likely pathogenic (1); Uncertain significance (4). 1 of the submissions does not count toward it. Last evaluated 2025-06-13.

Conditions:
Inborn genetic diseases. Identifiers: MedGen C0950123, MeSH D030342.
3-methylcrotonyl-CoA carboxylase 1 deficiency (MCC1D). Also called: MCC 1 deficiency; 3 Alpha methylcrotonylglycinuria 1; MCCD TYPE 1; METHYLCROTONYLGLYCINURIA TYPE I. Identifiers: Orphanet 6, MedGen CN028786, MONDO:0008861, OMIM 210200.

Allele frequency attached by ClinVar (database versions not stated): gnomAD exomes 0.00001; gnomAD 0.00002; TOPMed 0.00002; ESP Exome Variant Server 0.00008.
gnomAD v4.1: 10 of 1,613,512 alleles (0.00062%); highest among the groups gnomAD compares: African/African-American, 0.0053%; no homozygotes.

Submissions (6):

Women's Health and Genetics/Laboratory Corporation of America, LabCorp
Classification: Uncertain significance. Last evaluated: 2025-06-13. Review status: criteria provided, single submitter. Criteria: LabCorp Variant Classification Summary - May 2015. Collection method: clinical testing. Allele origin: germline.
Comment: Variant summary: MCCC1 c.758C>T (p.Pro253Leu) results in a non-conservative amino acid change located in the Carbamoyl-phosphate synthetase large subunit-like, ATP-binding domain( IPR005479) of the encoded protein sequence. Algorithms developed to predict the effect of missense changes on protein structure and function all suggest that this variant is likely to be disruptive. The variant allele was found at a frequency of 1.2e-05 in 250760 control chromosomes. The available data on variant occurrences in the general population are insufficient to allow any conclusion about variant significance. These data do not allow any conclusion about variant significance. To our knowledge, no experimental evidence demonstrating an impact on protein function has been reported. ClinVar contains an entry for this variant (Variation ID: 476399). Based on the evidence outlined above, the variant was classified as uncertain significance.

Labcorp Genetics (formerly Invitae), Labcorp
Classification: Likely pathogenic for 3-methylcrotonyl-CoA carboxylase 1 deficiency. Last evaluated: 2025-02-27. Review status: criteria provided, single submitter. Criteria: Invitae Variant Classification Sherloc (09022015). Collection method: clinical testing. Allele origin: germline.
Comment: This sequence change replaces proline, which is neutral and non-polar, with leucine, which is neutral and non-polar, at codon 253 of the MCCC1 protein (p.Pro253Leu). This variant is present in population databases (rs202083272, gnomAD 0.02%). This missense change has been observed in individual(s) with clinical features of 3 methylcrotonyl-CoA carboxylase deficiency (internal data). In at least one individual the data is consistent with being in trans (on the opposite chromosome) from a pathogenic variant. ClinVar contains an entry for this variant (Variation ID: 476399). Invitae Evidence Modeling of protein sequence and biophysical properties (such as structural, functional, and spatial information, amino acid conservation, physicochemical variation, residue mobility, and thermodynamic stability) indicates that this missense variant is expected to disrupt MCCC1 protein function with a positive predictive value of 95%. In summary, the currently available evidence indicates that the variant is pathogenic, but additional data are needed to prove that conclusively. Therefore, this variant has been classified as Likely Pathogenic.

Blueprint Genetics
Classification: Uncertain significance. Last evaluated: 2022-11-09. Review status: criteria provided, single submitter. Criteria: ACMG Guidelines, 2015. Collection method: clinical testing. Allele origin: germline.

Ambry Genetics
Classification: Uncertain significance for Inborn genetic diseases. Last evaluated: 2020-12-19. Review status: criteria provided, single submitter. Criteria: Ambry Variant Classification Scheme 2023. Collection method: clinical testing. Allele origin: germline.

Revvity Omics, Revvity
Classification: Uncertain significance for 3-methylcrotonyl-CoA carboxylase 1 deficiency. Last evaluated: 2020-03-03. Review status: criteria provided, single submitter. Criteria: ACMG Guidelines, 2015. Collection method: clinical testing. Allele origin: germline.

Natera, Inc.
Classification: Uncertain significance for 3-methylcrotonyl-CoA carboxylase 1 deficiency. Last evaluated: 2021-04-19. Review status: no assertion criteria provided. Collection method: clinical testing. Allele origin: germline. Not counted in ClinVar's aggregate classification.

NM_020166.5(MCCC1):c.758C>T (p.Pro253Leu)

Gene: MCCC1 (methylcrotonyl-CoA carboxylase subunit 1; minus strand). Cytogenetic location: 3q27.1.
Variant type: single nucleotide variant.
Coding change: c.758C>T on transcript NM_020166.5 (MANE Select); coding-DNA position 758, C replaced by T.
Protein change: p.Pro253Leu; replaces proline 253 with leucine.
Molecular consequence: missense variant. On other transcripts: non-coding transcript variant (2).
Genome position (GRCh38, 1-based): chr3:183,071,002, G>A on the plus strand (C>T on the coding strand, the complement: MCCC1 is on the minus strand). VCF-style: chr3-183071002-G-A. GRCh37 (hg19) VCF-style: chr3-182788790-G-A.
Other names: c.407C>T, p.Pro136Leu (NM_001293273.2); c.431C>T, p.Pro144Leu (NM_001363880.1); c.758C>T (NM_020166.3); short protein forms P253L, P144L, P136L.
Identifiers: ClinVar variation 476399 (VCV000476399.19), dbSNP rs202083272, ClinGen allele CA2718987.